The following is an entry in ClinVar:

ClinVar aggregate classification (germline): Uncertain significance (1 of 4 stars; one submission).

Conditions:
Inborn genetic diseases. Identifiers: MedGen C0950123, MeSH D030342.

Submission:

Ambry Genetics
Classification: Uncertain significance for Inborn genetic diseases. Last evaluated: 2021-12-10. Review status: criteria provided, single submitter. Criteria: Ambry Variant Classification Scheme 2023. Collection method: clinical testing. Allele origin: germline.
Comment: The p.Q190K variant (also known as c.568C>A), located in coding exon 4 of the ATR gene, results from a C to A substitution at nucleotide position 568. The glutamine at codon 190 is replaced by lysine, an amino acid with similar properties. This amino acid position is conserved. In addition, this alteration is predicted to be tolerated by in silico analysis. Since supporting evidence is limited at this time, the clinical significance of this alteration remains unclear.

NM_001184.4(ATR):c.568C>A (p.Gln190Lys)

Gene: ATR (ATR checkpoint kinase; minus strand). Cytogenetic location: 3q23.
Variant type: single nucleotide variant.
Coding change: c.568C>A on transcript NM_001184.4 (MANE Select); coding-DNA position 568, C replaced by A.
Protein change: p.Gln190Lys; replaces glutamine 190 with lysine.
Molecular consequence: missense variant.
Genome position (GRCh38, 1-based): chr3:142,562,834, G>T on the plus strand (C>A on the coding strand, the complement: ATR is on the minus strand). VCF-style: chr3-142562834-G-T. GRCh37 (hg19) VCF-style: chr3-142281676-G-T.
Other names: c.568C>A, p.Gln190Lys (NM_001354579.2); short protein forms Q190K.
Identifiers: ClinVar variation 1749065 (VCV001749065.2), dbSNP rs1331338940, ClinGen allele CA354826428.